The following is an entry in ClinVar:

NC_012920.1(MT-ND1):m.3394T>C

Gene: MT-ND1 (mitochondrially encoded NADH dehydrogenase 1; plus strand).
Variant type: single nucleotide variant.
Genome position: chrM-3394-T-C.
Identifiers: ClinVar variation 9725 (VCV000009725.11), dbSNP rs41460449, ClinGen allele CA340944.
Genomic context (GRCh38, chrMT:3,394, plus strand): 5'-ATTGTACCCATTCTAATCGCAATGGCATTCCTAATGCTTACCGAACGAAAAATTCTAGGC[T>C]ATATACAACTACGCAAAGGCCCCAACGTTGTAGGCCCCTACGGGCTACTACAACCCTTCG-3'

ClinVar aggregate classification (germline): Uncertain significance. Review status: reviewed by expert panel (3 of 4 stars). 5 submissions from 5 submitters: Uncertain significance (1). 4 of the submissions do not count toward it. Last evaluated 2023-09-11.

Conditions:
Optic atrophy. Identifiers: MedGen C0029124, MONDO:0003608, HP:0000648.
Mitochondrial disease. Also called: Mitochondrial disorder; Mitochondrial disorders. Identifiers: Orphanet 68380, MedGen C0751651, MeSH D028361, MONDO:0044970.
Leber optic atrophy (LHON). Also called: Optic Atrophy, Hereditary, Leber; Leber hereditary optic neuropathy; Leber's disease; Leber's optic atrophy. Identifiers: Orphanet 104, MedGen C0917796, MONDO:0010788, OMIM 535000, HP:0001112.
Leigh syndrome (NULS). Also called: Leigh's necrotizing encephalopathy; Leigh's disease; Leigh's syndrome; LEIGH SYNDROME, NUCLEAR; Leigh Disease; Leigh Syndrome (mtDNA deletion). Identifiers: Orphanet 506, MedGen C2931891, MONDO:0009723, OMIM 256000.

Submissions (5):

ClinGen Mitochondrial Disease Nuclear and Mitochondrial  Variant Curation Expert Panel, ClinGen
Classification: Uncertain significance for Mitochondrial disease. Last evaluated: 2023-09-11. Review status: reviewed by expert panel. Criteria: clingen mito disease acmg specifications v1-1. Collection method: curation. Allele origin: germline. Inheritance: Mitochondrial inheritance.
Comment: The m.3394T>C (p.Y30H) variant in MT-ND1 has been reported in 157 individuals with phenotypes consistent with primary mitochondrial disease, including Leber Hereditary Optic Neuropathy (LHON) and diabetes. This variant was present in 2.1% of 1,741 individuals in one cohort of LHON, and is thought to increase penetrance and occurrence of optic neuropathy in families when present with the well-known pathogenic variant, m.11778G>A (PMID: 30597069). The m.3394T>C variant is widely considered a secondary "helper" variant, not a variant associated with primary mitochondrial disease. However, of the 157 cases reported to date, the m.3394T>C variant has been reported without an accompanying primary mitochondrial disease-associated variant in 31 LHON families, two individuals with diabetes, and one individual with hypertrophic cardiomyopathy (PS4). Although outside the scope of this curation, this variant also been shown to be adaptive for high-altitude Tibetans where multiple independent origins of m.3394T>C have been documented (PMID: 22517755). The variant is present in 100% in Tibetan-associated haplogroups M9a (349/349) and M9b (4/4) in MITOMAP. In a study of type 2 diabetes mellitus in Han Chinese, this variant was found with significantly higher frequency in affected individuals (23.6%) than in the controls (2.0%; PMID: 18679013). The computational predictor APOGEE gives a consensus rating of pathogenic with a score of 0.76 (Min=0, Max=1; APOGEE2 score is 0.582), which predicts a damaging effect on gene function (PP3). Cybrid studies showed that this variant can either be deleterious or beneficial depending on haplogroup and environmental context. The variant reduces both complex I activity and NADH-linked respiration especially when on non-M9 haplogroups. In Asia, this variant is most commonly associated with the M9 haplogroup, which is rare at low elevations but increases in frequency with elevation to an average of 25% of the Tibetan mtDNAs (odds ratio = 23.7). In high-altitude Tibetan and Indian populations, this variant is enriched on the M9 background in Tibet. When present on the M9 background, this variant is associated with a complex I activity that is equal to or higher than that of the wild type sequence on other haplotype backgrounds (B4c and F1; PMID: 22517755). In a cybrid study of East Asian metabolic syndrome (PMID: 29997041), complex I activity of the cells with this variant had lower complex I activity than cells with the wild type sequence, and that these lower complex I levels correlated with increased risk for metabolic phenotypes. Addition of this variant further reduced the complex I activity on cybrids of B4c, F1, and M9 haplogroup backgrounds (PS3_supporting). In summary, this variant meets criteria to be classified as uncertain significance for primary mitochondrial disease inherited in a mitochondrial manner. This classification was approved by the NICHD/NINDS U24 ClinGen Mitochondrial Disease Variant Curation Expert Panel on September 11, 2023. Mitochondrial DNA-specific ACMG/AMP criteria applied (PMID: 32906214): PP3, PS3_supporting, PS4.

Wong Mito Lab, Molecular and Human Genetics, Baylor College of Medicine
Classification: Benign for Leigh syndrome. Last evaluated: 2019-10-17. Review status: criteria provided, single submitter. Criteria: Modified ACMG Guidelines (Unpublished). Collection method: clinical testing. Allele origin: germline. Not counted in ClinVar's aggregate classification.
Comment: The NC_012920.1:m.3394T>C (YP_003024026.1:p.Tyr30His) variant in MTND1 gene is interpretated to be a Benign variant based on the modified ACMG guidelines (unpublished). This variant meets the following evidence codes: BS1, BS2

ARUP Laboratories, Molecular Genetics and Genomics, ARUP Laboratories
Classification: Pathogenic. Last evaluated: 2017-05-12. Review status: criteria provided, single submitter. Criteria: ARUP Molecular Germline Variant Investigation Process. Collection method: clinical testing. Allele origin: germline. Not counted in ClinVar's aggregate classification.
Comment: The m.3394T>C variant is found at a frequency of 1.3% in MITOMAP (identified in 409 out of 32,059 sequences). When this variant has been reported in Leber hereditary optic neuropathy (LHON) patients, it is typically found alongside a primary variant; normally m.14484T>C (Brown 1995). The exact contribution of secondary variants such as m.3394T>C to the LHON phenotype is not fully understood, although data indicate that m.3394T>C likely influences the LHON phenotype in an ethnic-specific manner. While the frequency of m.3394T>C in Japanese LHON patients was not increased over controls (Matsumoto 1999), this mutation was found in 8.5% of Caucasian LHON patients compared to 1.1% of controls (Brown 1995). Furthermore, m.3394T>C was identified in four Chinese families effected with a low penetrance form of LHON (Liang 2009). m.3394T>C was identified in these families in the absence of any primary variant, suggesting that it plays a critical role in the LHON phenotype, either in isolation or by modifying other as-yet unidentified factors.

Institute of Human Genetics, Univ. Regensburg, Univ. Regensburg
Classification: Uncertain significance for Optic atrophy. Last evaluated: 2022-01-01. Review status: no assertion criteria provided. Criteria: ACMG Guidelines, 2015. Collection method: clinical testing. Allele origin: germline. Affected: yes. Not counted in ClinVar's aggregate classification.

OMIM
Classification: Pathogenic for LEBER OPTIC ATROPHY. Last evaluated: 1992-11-01. Review status: no assertion criteria provided. Collection method: literature only. Allele origin: germline. Not counted in ClinVar's aggregate classification.

Literature cited by the submitters: PubMed 1732158 (cited by OMIM); PubMed 1550131 (cited by OMIM); PubMed 1442494 (cited by OMIM).